The following is an entry in ClinVar:

ClinVar aggregate classification (germline): Uncertain significance (1 of 4 stars; one submission).

Conditions:
Hereditary sensory and autonomic neuropathy type 6. Also called: HSAN VI; Neuropathy, hereditary sensory and autonomic, type VI. Identifiers: Orphanet 314381, MedGen C3539003, MONDO:0013839, OMIM 614653.
Epidermolysis bullosa simplex 3, localized or generalized intermediate, with BP230 deficiency (EBS3). Also called: Epidermolysis bullosa simplex, autosomal recessive 2; Epidermolysis bullosa simplex due to BP230 deficiency. Identifiers: Orphanet 412181, MedGen C3809470, MONDO:0014180, OMIM 615425.

Allele frequency attached by ClinVar (database versions not stated): gnomAD exomes below 0.00001; TOPMed below 0.00001.
gnomAD v4.1: 4 of 1,613,596 alleles (0.00025%); highest among the groups gnomAD compares: Non-Finnish European, 0.00034%; no homozygotes.

Submission:

Labcorp Genetics (formerly Invitae), Labcorp
Classification: Uncertain significance for Epidermolysis bullosa simplex 3, localized or generalized intermediate, with BP230 deficiency; Hereditary sensory and autonomic neuropathy type 6. Last evaluated: 2023-08-18. Review status: criteria provided, single submitter. Criteria: Invitae Variant Classification Sherloc (09022015). Collection method: clinical testing. Allele origin: germline.
Comment: In summary, the available evidence is currently insufficient to determine the role of this variant in disease. Therefore, it has been classified as a Variant of Uncertain Significance. An algorithm developed to predict the effect of missense changes on protein structure and function (PolyPhen-2) suggests that this variant is likely to be disruptive. This variant has not been reported in the literature in individuals affected with DST-related conditions. This variant is not present in population databases (gnomAD no frequency). This sequence change replaces glutamic acid, which is acidic and polar, with lysine, which is basic and polar, at codon 1561 of the DST protein (p.Glu1561Lys).

NM_001723.7(DST):c.4681G>A (p.Glu1561Lys)

Gene: DST (dystonin; minus strand). Cytogenetic location: 6p12.1.
Variant type: single nucleotide variant.
Coding change: c.4681G>A on transcript NM_001723.7 (MANE Plus Clinical); coding-DNA position 4681, G replaced by A.
Protein change: p.Glu1561Lys; replaces glutamic acid 1561 with lysine.
Molecular consequence: missense variant. On other transcripts: intron variant (10).
Genome position (GRCh38, 1-based): chr6:56,619,353, C>T on the plus strand (G>A on the coding strand, the complement: DST is on the minus strand). VCF-style: chr6-56619353-C-T. GRCh37 (hg19) VCF-style: chr6-56484151-C-T.
Other names: c.4831-4869G>A (NM_001144769.5); c.4930-4869G>A (NM_001374722.1, NM_001374736.1); c.4957-4869G>A (NM_001374734.1); c.4417-4869G>A (NM_001144770.2); c.4297-4869G>A (NM_001374730.1, NM_001386100.1, NM_183380.4 and 1 more transcripts); c.3319-4869G>A (NM_015548.5); short protein forms E1561K.
Identifiers: ClinVar variation 2926153 (VCV002926153.3), dbSNP rs2098663701, ClinGen allele CA364569120.
Genomic context (GRCh38, chr6:56,619,353, plus strand): 5'-TAGTAAGCTCCTCTACTTTTTGTTTTAGCATCTCTGCACACTCATTACTTTTCTCCAATT[C>T]TTCATTGAGCCTTTGGATTTTATCATTATTTTCTTTTTCAGCTTTGATATTTTGAAGCAA-3'
Protein context (NP_001714.1, residues 1551-1571): NNDKIQRLNE[Glu1561Lys]LEKSNECAEM